The following is an entry in ClinVar:

NM_014795.4(ZEB2):c.425C>G (p.Ser142Ter)

Gene: ZEB2 (zinc finger E-box binding homeobox 2; minus strand). Cytogenetic location: 2q22.3.
Variant type: single nucleotide variant.
Coding change: c.425C>G on transcript NM_014795.4 (MANE Select); coding-DNA position 425, C replaced by G.
Protein change: p.Ser142Ter; replaces serine 142 with a stop codon.
Molecular consequence: nonsense.
Genome position (GRCh38, 1-based): chr2:144,405,003, G>C on the plus strand (C>G on the coding strand, the complement: ZEB2 is on the minus strand). VCF-style: chr2-144405003-G-C. GRCh37 (hg19) VCF-style: chr2-145162570-G-C.
Other names: c.353C>G, p.Ser118Ter (NM_001171653.2); short protein forms S118*, S142*.
Identifiers: ClinVar variation 2203155 (VCV002203155.4), dbSNP rs2549110052, ClinGen allele CA348715572.

ClinVar aggregate classification (germline): Pathogenic (1 of 4 stars; one submission).

Conditions:
Mowat-Wilson syndrome (MOWS). Also called: Classic Mowat-Wilson Syndrome. Identifiers: Orphanet 2152, MedGen C1856113, MONDO:0009341, OMIM 235730.

Submission:

Labcorp Genetics (formerly Invitae), Labcorp
Classification: Pathogenic for Mowat-Wilson syndrome. Last evaluated: 2024-01-29. Review status: criteria provided, single submitter. Criteria: Invitae Variant Classification Sherloc (09022015). Collection method: clinical testing. Allele origin: germline.
Comment: This sequence change creates a premature translational stop signal (p.Ser142*) in the ZEB2 gene. It is expected to result in an absent or disrupted protein product. Loss-of-function variants in ZEB2 are known to be pathogenic (PMID: 16053902). This variant is not present in population databases (gnomAD no frequency). This premature translational stop signal has been observed in individual(s) with clinical features of Mowat-Wilson syndrome (PMID: 25899569). ClinVar contains an entry for this variant (Variation ID: 2203155). For these reasons, this variant has been classified as Pathogenic.

Literature cited by the submitters: PubMed 16053902; PubMed 25899569.